The following is an entry in ClinVar:

NM_178134.3(CYP4Z1):c.1473C>T (p.Leu491=)

Genes: CYP4A22-AS1 (CYP4A22 antisense RNA 1; minus strand), CYP4Z1 (cytochrome P450 family 4 subfamily Z member 1; plus strand). Cytogenetic location: 1p33.
Variant type: single nucleotide variant.
Coding change: c.1473C>T on transcript NM_178134.3 (MANE Select); coding-DNA position 1473, C replaced by T.
Protein change: p.Leu491=; no amino-acid change (leucine 491 retained).
Molecular consequence: synonymous variant.
Genome position (GRCh38, 1-based): chr1:47,117,889, C>T. VCF-style: chr1-47117889-C-T. GRCh37 (hg19) VCF-style: chr1-47583561-C-T.
Identifiers: ClinVar variation 3341701 (VCV003341701.16).

ClinVar aggregate classification (germline): Likely benign (1 of 4 stars; one submission).

gnomAD v4.1: 50 of 1,613,444 alleles (0.0031%); highest among the groups gnomAD compares: Non-Finnish European, 0.0039%; no homozygotes.

Submission:

CeGaT Center for Human Genetics Tuebingen
Classification: Likely benign. Last evaluated: 2024-08-01. Review status: criteria provided, single submitter. Criteria: CeGaT Center For Human Genetics Tuebingen Variant Classification Criteria Version 2. Collection method: clinical testing. Allele origin: germline. Affected: yes. Observed: 1 variant allele.
Comment: CYP4Z1: BP4, BP7